The following is an entry in ClinVar:

ClinVar aggregate classification (germline): Uncertain significance (1 of 4 stars; one submission).

Submission:

Women's Health and Genetics/Laboratory Corporation of America, LabCorp
Classification: Uncertain significance. Last evaluated: 2025-12-03. Review status: criteria provided, single submitter. Criteria: LabCorp Variant Classification Summary - May 2015. Collection method: clinical testing. Allele origin: germline.
Comment: Variant summary: PHEX c.2147+4A>C alters a conserved nucleotide located close to a canonical splice site and therefore could affect mRNA splicing, leading to a significantly altered protein sequence. Several computational tools predict a significant impact on normal splicing: Four predict the variant weakens a 5' donor site. However, these predictions have yet to be confirmed by functional studies. The variant was absent in 183440 control chromosomes (gnomAD). The available data on variant occurrences in the general population are insufficient to allow any conclusion about variant significance. To our knowledge, no occurrence of c.2147+4A>C in individuals affected with PHEX-related conditions and no experimental evidence demonstrating its impact on protein function have been reported. No submitters have cited clinical-significance assessments for this variant to ClinVar. Based on the evidence outlined above, the variant was classified as uncertain significance.

NM_000444.6(PHEX):c.2147+4A>C

Genes: PHEX (phosphate regulating endopeptidase X-linked; plus strand), PTCHD1-AS (PTCHD1 and PHEX antisense RNA; minus strand). Cytogenetic location: Xp22.11.
Variant type: single nucleotide variant.
Coding change: c.2147+4A>C on transcript NM_000444.6 (MANE Select); 4 bases into the intron after coding-DNA position 2147, A replaced by C.
Molecular consequence: intron variant.
Genome position (GRCh38, 1-based): chrX:22,245,413, A>C. VCF-style: chrX-22245413-A-C. GRCh37 (hg19) VCF-style: chrX-22263530-A-C.
Other names: c.2071-2438A>C (NM_001282754.2).
Identifiers: ClinVar variation 4688625 (VCV004688625.1).
Genomic context (GRCh38, chrX:22,245,413, plus strand): 5'-ACCAGAAGCTGCCCGAGAACAAGTCCAAATTGGTGCTCACAGTCCCCCTCAGTTTAGGTA[A>C]ATGGGCAAATGGGTGACGGCAGTTTTTAACTGTACATCTCCCCCCTTCCTCCCCCACCCA-3'